The following is an entry in ClinVar:

ClinVar aggregate classification (germline): Conflicting classifications of pathogenicity. Review status: criteria provided, conflicting classifications (1 of 4 stars). 4 submissions from 4 submitters: Uncertain significance (1); Benign (1); Likely benign (2). Last evaluated 2026-02-01.

Conditions:
FG syndrome (FGS). Identifiers: MedGen C0220769, MONDO:0002010.
Familial thoracic aortic aneurysm and aortic dissection (TAAD). Also called: Thoracic aortic aneurysms and dissections. Identifiers: Orphanet 91387, MedGen C4707243, MONDO:0019625.

Submissions (4):

CeGaT Center for Human Genetics Tuebingen
Classification: Likely benign. Last evaluated: 2026-02-01. Review status: criteria provided, single submitter. Criteria: CeGaT Center For Human Genetics Tuebingen Variant Classification Criteria Version 2. Collection method: clinical testing. Allele origin: germline. Affected: yes. Observed: 3 variant alleles.
Comment: MED12: BS2

Labcorp Genetics (formerly Invitae), Labcorp
Classification: Uncertain significance for FG syndrome. Last evaluated: 2026-01-06. Review status: criteria provided, single submitter. Criteria: Invitae Variant Classification Sherloc (09022015). Collection method: clinical testing. Allele origin: germline.
Comment: This variant, c.6303_6308del, results in the deletion of 2 amino acid(s) of the MED12 protein (p.Gln2114_Gln2115del), but otherwise preserves the integrity of the reading frame. The frequency data for this variant in the population databases is considered unreliable, as metrics indicate poor data quality at this position in the gnomAD database. This variant has not been reported in the literature in individuals affected with MED12-related conditions. ClinVar contains an entry for this variant (Variation ID: 458828). Experimental studies and prediction algorithms are not available or were not evaluated, and the functional significance of this variant is currently unknown. In summary, the available evidence is currently insufficient to determine the role of this variant in disease. Therefore, it has been classified as a Variant of Uncertain Significance.

Ambry Genetics
Classification: Benign for Familial thoracic aortic aneurysm and aortic dissection. Last evaluated: 2025-03-27. Review status: criteria provided, single submitter. Criteria: Ambry Variant Classification Scheme 2023. Collection method: clinical testing. Allele origin: germline.

GeneDx
Classification: Likely benign. Last evaluated: 2020-03-24. Review status: criteria provided, single submitter. Criteria: GeneDx Variant Classification Process June 2021. Collection method: clinical testing. Allele origin: germline. Affected: yes.

NM_005120.3(MED12):c.6288GCA[5] (p.Gln2114_Gln2115del)

Gene: MED12 (mediator complex subunit 12; plus strand). Cytogenetic location: Xq13.1.
Variant type: Microsatellite.
Coding change: c.6288GCA[5] on transcript NM_005120.3 (MANE Select); five copies in a row of the 3-base unit GCA starting at c.6288; the reference has seven copies in a row; two copies, 6 bases deleted; also written c.6303_6308del.
Protein change: p.Gln2114_Gln2115del.
Molecular consequence: inframe deletion.
Genome position (GRCh38, 1-based): chrX:71,141,265-71,141,270, GCAGCA deleted; deleting any 6 consecutive bases within chrX:71,141,248-71,141,270 gives the same sequence; the position shown is the placement nearest the transcript's 3' end. VCF-style (leftmost placement, unchanged base first): chrX-71141247-ACAGCAG-A. GRCh37 (hg19) VCF-style: chrX-70361097-ACAGCAG-A.
Other names: c.6303_6308del (NM_005120.2).
Identifiers: ClinVar variation 458828 (VCV000458828.38), dbSNP rs766775649, ClinGen allele CA641958669.